The following is an entry in ClinVar:

ClinVar aggregate classification (germline): Uncertain significance (1 of 4 stars; one submission).

gnomAD v4.1: 7 of 1,577,574 alleles (0.00044%); highest among the groups gnomAD compares: South Asian, 0.007%; 1 homozygote.

Submission:

Laboratory for Molecular Medicine, Mass General Brigham Personalized Medicine
Classification: Uncertain significance. Last evaluated: 2015-08-10. Review status: criteria provided, single submitter. Criteria: LMM Criteria. Collection method: clinical testing. Allele origin: germline. Observed: 1 variant allele.
Comment: The c.-12G>T variant in SPRED1 has been not previously reported in individuals w ith Legius syndrome. It has been identified in 1/1760 East Asian chromosomes and 1/8404 South Asian chromosomes by the Exome Aggregation Consortium (ExAC; dbSNP rs371200183). This variant is located in the 5' UTR and is not part of the translation initiation (Kozak) sequence, but its eff ect on translation is unknown. In summary, the clinical significance of the c.-1 2G>T variant is uncertain.

NM_152594.3(SPRED1):c.-12G>T

Gene: SPRED1 (sprouty related EVH1 domain containing 1; plus strand). Cytogenetic location: 15q14.
Variant type: single nucleotide variant.
Coding change: c.-12G>T on transcript NM_152594.3 (MANE Select); 12 bases upstream of the start codon, G replaced by T.
Molecular consequence: 5 prime UTR variant.
Genome position (GRCh38, 1-based): chr15:38,253,174, G>T. VCF-style: chr15-38253174-G-T. GRCh37 (hg19) VCF-style: chr15-38545375-G-T.
Identifiers: ClinVar variation 229268 (VCV000229268.5), dbSNP rs371200183, ClinGen allele CA7469947.
Genomic context (GRCh38, chr15:38,253,174, plus strand): 5'-CCTCGGTGCTGCTGTTGCTCCCCCGCCTGCTGTTGCTCCTCCATCTCCAGATCGGATCAC[G>T]GTGAGGGAAAGATGAGCGAGGAGACGGCGACTTCTGACAACGAGTAAGCGCCTCATTGAT-3'